The following is an entry in ClinVar:

NM_003839.4(TNFRSF11A):c.530T>C (p.Phe177Ser)

Gene: TNFRSF11A (TNF receptor superfamily member 11a; plus strand). Cytogenetic location: 18q21.33.
Variant type: single nucleotide variant.
Coding change: c.530T>C on transcript NM_003839.4 (MANE Select); coding-DNA position 530, T replaced by C.
Protein change: p.Phe177Ser; replaces phenylalanine 177 with serine.
Molecular consequence: missense variant.
Genome position (GRCh38, 1-based): chr18:62,359,963, T>C. VCF-style: chr18-62359963-T-C. GRCh37 (hg19) VCF-style: chr18-60027196-T-C.
Other names: c.530T>C, p.Phe177Ser (NM_001270949.2, NM_001270950.2, NM_001270951.2); c.488T>C, p.Phe163Ser (NM_001278268.2); short protein forms F163S, F177S.
Identifiers: ClinVar variation 2413309 (VCV002413309.7), dbSNP rs1909551923, ClinGen allele CA402613528.
Genomic context (GRCh38, chr18:62,359,963, plus strand): 5'-TTAAAAAACAAGCTTATAAAACCAAAGCACTGAACCACCTTTTCCCCCACAGCTGTACCT[T>C]CCTTGGAAAGAGAGTAGAACATCATGGGACAGAGAAATCCGATGCGGTTTGCAGTTCTTC-3'
Protein context (NP_003830.1, residues 167-187): DKCRPWTNCT[Phe177Ser]LGKRVEHHGT

ClinVar aggregate classification (germline): Conflicting classifications of pathogenicity. Review status: criteria provided, conflicting classifications (1 of 4 stars). 2 submissions from 2 submitters: Uncertain significance (1); Likely benign (1). Last evaluated 2025-05-26.

Conditions:
Inborn genetic diseases. Identifiers: MedGen C0950123, MeSH D030342.

Allele frequency attached by ClinVar (database versions not stated): gnomAD exomes below 0.00001; TOPMed below 0.00001.
gnomAD v4.1: 3 of 1,613,864 alleles (0.00019%); highest among the groups gnomAD compares: Middle Eastern, 0.016%; no homozygotes.

Submissions (2):

Ambry Genetics
Classification: Likely benign for Inborn genetic diseases. Last evaluated: 2025-05-26. Review status: criteria provided, single submitter. Criteria: Ambry Variant Classification Scheme 2023. Collection method: clinical testing. Allele origin: germline.

Labcorp Genetics (formerly Invitae), Labcorp
Classification: Uncertain significance. Last evaluated: 2023-04-13. Review status: criteria provided, single submitter. Criteria: Invitae Variant Classification Sherloc (09022015). Collection method: clinical testing. Allele origin: germline.
Comment: This variant is not present in population databases (gnomAD no frequency). In summary, the available evidence is currently insufficient to determine the role of this variant in disease. Therefore, it has been classified as a Variant of Uncertain Significance. Advanced modeling of protein sequence and biophysical properties (such as structural, functional, and spatial information, amino acid conservation, physicochemical variation, residue mobility, and thermodynamic stability) performed at Invitae indicates that this missense variant is not expected to disrupt TNFRSF11A protein function. ClinVar contains an entry for this variant (Variation ID: 2413309). This variant has not been reported in the literature in individuals affected with TNFRSF11A-related conditions. This sequence change replaces phenylalanine, which is neutral and non-polar, with serine, which is neutral and polar, at codon 177 of the TNFRSF11A protein (p.Phe177Ser).